The following is an entry in ClinVar:

NM_206933.4(USH2A):c.2729_2730del (p.Gly910fs)

Genes: USH2A (usherin; minus strand), LOC122152296 (Sharpr-MPRA regulatory region 8762; plus strand). Cytogenetic location: 1q41.
Variant type: Deletion.
Coding change: c.2729_2730del on transcript NM_206933.4 (MANE Select); coding-DNA positions 2729 to 2730, 2 bases deleted (GG; older notation c.2729_2730delGG).
Protein change: p.Gly910fs; shifts the reading frame from glycine 910.
Molecular consequence: frameshift variant.
Genome position (GRCh38, 1-based): chr1:216,246,664-216,246,665, CC deleted on the plus strand (GG on the coding strand, the reverse complement: USH2A is on the minus strand); deleting any 2 consecutive bases within chr1:216,246,664-216,246,666 gives the same sequence; the c. name uses the placement nearest the transcript's 3' end. VCF-style (leftmost placement, unchanged base first): chr1-216246663-TCC-T. GRCh37 (hg19) VCF-style: chr1-216420005-TCC-T.
Other names: c.2729_2730del, p.Gly910fs (NM_007123.6); short protein forms G910fs.
Identifiers: ClinVar variation 1726900 (VCV001726900.2), dbSNP rs2102545092, ClinGen allele CA2580062111.

ClinVar aggregate classification (germline): Likely pathogenic (1 of 4 stars; one submission).

Conditions:
Usher syndrome type 2A. Also called: RETINAL DISEASE IN USHER SYNDROME TYPE IIA, MODIFIER OF; USHER SYNDROME, TYPE IIA. Identifiers: Orphanet 231178, Orphanet 886, MedGen C1848634, MONDO:0010169, OMIM 276901.

Submission:

Myriad Genetics, Inc.
Classification: Likely pathogenic for Usher syndrome type 2A. Last evaluated: 2022-01-02. Review status: criteria provided, single submitter. Criteria: Myriad Women's Health Autosomal Recessive and X-Linked Classification Criteria (2021). Collection method: clinical testing. Allele origin: unknown.
Comment: NM_206933.2(USH2A):c.2729_2730delGG(G910Dfs*4) is expected to be pathogenic in the context of USH2A-related disorders. This variant is predicted to lead to an abnormal or absent protein product due to the creation of a premature termination codon in USH2A, a gene where loss-of-function variants are known to be pathogenic. Please note: this variant was assessed in the context of healthy population screening.